The following is an entry in ClinVar:

NM_001710.6(CFB):c.1940T>C (p.Ile647Thr)

Gene: CFB (complement factor B; plus strand). Cytogenetic location: 6p21.33.
Variant type: single nucleotide variant.
Coding change: c.1940T>C on transcript NM_001710.6 (MANE Select); coding-DNA position 1940, T replaced by C.
Protein change: p.Ile647Thr; replaces isoleucine 647 with threonine.
Molecular consequence: missense variant.
Genome position (GRCh38, 1-based): chr6:31,951,228, T>C. VCF-style: chr6-31951228-T-C. GRCh37 (hg19) VCF-style: chr6-31919005-T-C.
Other names: short protein forms I647T.
Identifiers: ClinVar variation 3266576 (VCV003266576.3).

ClinVar aggregate classification (germline): Uncertain significance. Review status: criteria provided, multiple submitters, no conflicts (2 of 4 stars). 3 submissions from 3 submitters: Uncertain significance (3). Last evaluated 2026-01-12.

Conditions:
Inborn genetic diseases. Identifiers: MedGen C0950123, MeSH D030342.

gnomAD v4.1: 2 of 1,613,090 alleles (0.00012%); highest among the groups gnomAD compares: Admixed American, 0.0033%; no homozygotes.

Submissions (3):

Labcorp Genetics (formerly Invitae), Labcorp
Classification: Uncertain significance. Last evaluated: 2026-01-12. Review status: criteria provided, single submitter. Criteria: Invitae Variant Classification Sherloc (09022015). Collection method: clinical testing. Allele origin: germline.
Comment: This sequence change replaces isoleucine, which is neutral and non-polar, with threonine, which is neutral and polar, at codon 647 of the CFB protein (p.Ile647Thr). This variant is present in population databases (rs765414037, gnomAD 0.006%). This variant has not been reported in the literature in individuals affected with CFB-related conditions. ClinVar contains an entry for this variant (Variation ID: 3266576). Invitae Evidence Modeling of protein sequence and biophysical properties (such as structural, functional, and spatial information, amino acid conservation, physicochemical variation, residue mobility, and thermodynamic stability) indicates that this missense variant is expected to disrupt CFB protein function with a positive predictive value of 80%. In summary, the available evidence is currently insufficient to determine the role of this variant in disease. Therefore, it has been classified as a Variant of Uncertain Significance.

Women's Health and Genetics/Laboratory Corporation of America, LabCorp
Classification: Uncertain significance. Last evaluated: 2024-05-10. Review status: criteria provided, single submitter. Criteria: LabCorp Variant Classification Summary - May 2015. Collection method: clinical testing. Allele origin: germline.
Comment: Variant summary: CFB c.1940T>C (p.Ile647Thr) results in a non-conservative amino acid change located in the Serine proteases, trypsin domain (IPR001254) of the encoded protein sequence. Four of five in-silico tools predict a damaging effect of the variant on protein function. The variant allele was found at a frequency of 8.1e-06 in 246678 control chromosomes. The available data on variant occurrences in the general population are insufficient to allow any conclusion about variant significance. To our knowledge, no occurrence of c.1940T>C in individuals affected with Age-Related Macular Degeneration and no experimental evidence demonstrating its impact on protein function have been reported. No submitters have cited clinical-significance assessments for this variant to ClinVar. Based on the evidence outlined above, the variant was classified as uncertain significance.

Ambry Genetics
Classification: Uncertain significance for Inborn genetic diseases. Last evaluated: 2024-03-19. Review status: criteria provided, single submitter. Criteria: Ambry Variant Classification Scheme 2023. Collection method: clinical testing. Allele origin: germline.